The following is an entry in ClinVar:

ClinVar aggregate classification (germline): Likely benign. Review status: criteria provided, multiple submitters, no conflicts (2 of 4 stars). 11 submissions from 11 submitters: Likely benign (11). Last evaluated 2025-11-01.

Conditions:
Cardiovascular phenotype. Identifiers: MedGen CN230736.
Hypertrophic cardiomyopathy. Also called: HYPERTROPHIC MYOCARDIOPATHY. Identifiers: Orphanet 217569, MedGen C0007194, MeSH D002312, MONDO:0005045, HP:0001639.
Cardiomyopathy (CMYO). Also called: Cardiomyopathies. Identifiers: Orphanet 167848, MedGen C0878544, MONDO:0004994, HP:0001638. Inheritance: Various modes of inheritance.
Lethal congenital glycogen storage disease of heart. Also called: PHOSPHORYLASE KINASE DEFICIENCY OF HEART; GLYCOGEN STORAGE DISEASE OF HEART. Identifiers: Orphanet 439854, MedGen C1849813, MONDO:0009867, OMIM 261740.

Allele frequency attached by ClinVar (database versions not stated): TOPMed 0.00010.
gnomAD v4.1: 65 of 1,611,658 alleles (0.004%); highest among the groups gnomAD compares: Middle Eastern, 0.066%; no homozygotes.

Submissions (11):

Labcorp Genetics (formerly Invitae), Labcorp
Classification: Likely benign for Lethal congenital glycogen storage disease of heart. Last evaluated: 2025-11-01. Review status: criteria provided, single submitter. Criteria: Invitae Variant Classification Sherloc (09022015). Collection method: clinical testing. Allele origin: germline.

Women's Health and Genetics/Laboratory Corporation of America, LabCorp
Classification: Likely benign. Last evaluated: 2025-10-13. Review status: criteria provided, single submitter. Criteria: LabCorp Variant Classification Summary - May 2015. Collection method: clinical testing. Allele origin: germline.

Molecular Diagnostic Laboratory for Inherited Cardiovascular Disease, Montreal Heart Institute
Classification: Likely benign. Last evaluated: 2025-04-09. Review status: criteria provided, single submitter. Criteria: ACMG Guidelines, 2015. Collection method: clinical testing. Allele origin: germline. Affected: no.

Blueprint Genetics
Classification: Likely benign. Last evaluated: 2024-11-20. Review status: criteria provided, single submitter. Criteria: ACMG Guidelines, 2015. Collection method: clinical testing. Allele origin: germline.

All of Us Research Program, National Institutes of Health
Classification: Likely benign for Hypertrophic cardiomyopathy. Last evaluated: 2023-12-13. Review status: criteria provided, single submitter. Criteria: ACMG Guidelines, 2015. Collection method: clinical testing. Allele origin: germline. Inheritance: Autosomal dominant inheritance. Observed: 6 variant alleles, 6 heterozygotes.
Comment: This study involves interpretation of variants in research participants for the purpose of population health screening. Participant phenotype was not available at the time of variant classification. Additional details can be found in publication PMID: 35346344, PMCID: PMC8962531

CeGaT Center for Human Genetics Tuebingen
Classification: Likely benign. Last evaluated: 2022-09-01. Review status: criteria provided, single submitter. Criteria: CeGaT Center For Human Genetics Tuebingen Variant Classification Criteria Version 2. Collection method: clinical testing. Allele origin: germline. Affected: yes. Observed: 1 variant allele.
Comment: PRKAG2: BP4, BP7

Ambry Genetics
Classification: Likely benign for Cardiovascular phenotype. Last evaluated: 2021-03-10. Review status: criteria provided, single submitter. Criteria: Ambry Variant Classification Scheme 2023. Collection method: clinical testing. Allele origin: germline.

GeneDx
Classification: Likely benign. Last evaluated: 2019-10-09. Review status: criteria provided, single submitter. Criteria: GeneDx Variant Classification Process June 2021. Collection method: clinical testing. Allele origin: germline. Affected: yes.

Color Diagnostics, LLC DBA Color Health
Classification: Likely benign for Cardiomyopathy. Last evaluated: 2018-11-27. Review status: criteria provided, single submitter. Criteria: ACMG Guidelines, 2015. Collection method: clinical testing. Allele origin: germline.

CHEO Genetics Diagnostic Laboratory, Children's Hospital of Eastern Ontario
Classification: Likely benign for Cardiomyopathy. Last evaluated: 2017-07-31. Review status: criteria provided, single submitter. Criteria: ACMG Guidelines, 2015. Collection method: clinical testing. Allele origin: germline. Study: Canadian Open Genetics Repository.

Breakthrough Genomics
Classification: Likely benign. Review status: criteria provided, single submitter. Criteria: ACMG Guidelines, 2015. Collection method: not provided. Allele origin: germline. Inheritance: Autosomal dominant inheritance. Affected: yes.

NM_016203.4(PRKAG2):c.912G>T (p.Ala304=)

Gene: PRKAG2 (protein kinase AMP-activated non-catalytic subunit gamma 2; minus strand). Cytogenetic location: 7q36.1.
Variant type: single nucleotide variant.
Coding change: c.912G>T on transcript NM_016203.4 (MANE Select); coding-DNA position 912, G replaced by T.
Protein change: p.Ala304=; no amino-acid change (alanine 304 retained).
Molecular consequence: synonymous variant.
Genome position (GRCh38, 1-based): chr7:151,576,405, C>A on the plus strand (G>T on the coding strand, the complement: PRKAG2 is on the minus strand). VCF-style: chr7-151576405-C-A. GRCh37 (hg19) VCF-style: chr7-151273491-C-A.
Other names: c.780G>T, p.Ala260= (NM_001040633.2); c.537G>T, p.Ala179= (NM_001304527.2); c.189G>T, p.Ala63= (NM_001304531.2, NM_024429.2); c.540G>T, p.Ala180= (NM_001363698.2).
Identifiers: ClinVar variation 380745 (VCV000380745.47), dbSNP rs145029525, ClinGen allele CA058711.